The following is an entry in ClinVar:

ClinVar aggregate classification (germline): Benign/Likely benign. Review status: criteria provided, multiple submitters, no conflicts (2 of 4 stars). 6 submissions from 6 submitters: Benign (3); Likely benign (2). 1 of the submissions does not count toward it. Last evaluated 2026-02-02.

Conditions:
Retinitis pigmentosa (RP). Identifiers: Orphanet 791, MedGen C0035334, MeSH D012174, MONDO:0019200, OMIM 268000. Inheritance: Autosomal dominant, autosomal recessive and X linked inheritance.

Allele frequency attached by ClinVar (database versions not stated): gnomAD exomes 0.00226 and 0.00522; ExAC 0.00906; 1000 Genomes Project 0.02017; 1000 Genomes Project 30x 0.02264; gnomAD 0.02390 and 0.02573; TOPMed 0.02740; ESP Exome Variant Server 0.02979.
gnomAD v4.1: 6,936 of 1,550,788 alleles (0.45%); highest among the groups gnomAD compares: African/African-American, 8.3%; 268 homozygotes.

Submissions (6):

Labcorp Genetics (formerly Invitae), Labcorp
Classification: Benign. Last evaluated: 2026-02-02. Review status: criteria provided, single submitter. Criteria: Invitae Variant Classification Sherloc (09022015). Collection method: clinical testing. Allele origin: germline.

Women's Health and Genetics/Laboratory Corporation of America, LabCorp
Classification: Benign. Last evaluated: 2025-02-03. Review status: criteria provided, single submitter. Criteria: LabCorp Variant Classification Summary - May 2015. Collection method: clinical testing. Allele origin: germline.

Illumina Laboratory Services, Illumina
Classification: Likely benign for Retinitis pigmentosa. Last evaluated: 2017-04-27. Review status: criteria provided, single submitter. Criteria: ICSL Variant Classification Criteria 13 December 2019. Collection method: clinical testing. Allele origin: germline.
Comment: This variant was observed as part of a predisposition screen in an ostensibly healthy population. A literature search was performed for the gene, cDNA change, and amino acid change (where applicable). No publications were found based on this search. Allele frequency data from public databases allowed determination this variant is unlikely to cause disease. Therefore, this variant is classified as likely benign.

GeneDx
Classification: Benign. Last evaluated: 2015-03-03. Review status: criteria provided, single submitter. Criteria: GeneDx Variant Classification Process June 2021. Collection method: clinical testing. Allele origin: germline. Affected: yes.

Breakthrough Genomics
Classification: Likely benign. Review status: criteria provided, single submitter. Criteria: ACMG Guidelines, 2015. Collection method: not provided. Allele origin: germline. Inheritance: Autosomal recessive inheritance. Affected: yes.

Natera, Inc.
Classification: Benign for Retinitis pigmentosa. Last evaluated: 2020-09-16. Review status: no assertion criteria provided. Collection method: clinical testing. Allele origin: germline. Not counted in ClinVar's aggregate classification.

NM_001142800.2(EYS):c.2157C>T (p.Cys719=)

Gene: EYS (EGF-like photoreceptor maintenance factor; minus strand). Cytogenetic location: 6q12.
Variant type: single nucleotide variant.
Coding change: c.2157C>T on transcript NM_001142800.2 (MANE Select); coding-DNA position 2157, C replaced by T.
Protein change: p.Cys719=; no amino-acid change (cysteine 719 retained).
Molecular consequence: synonymous variant.
Genome position (GRCh38, 1-based): chr6:64,997,684, G>A on the plus strand (C>T on the coding strand, the complement: EYS is on the minus strand). VCF-style: chr6-64997684-G-A. GRCh37 (hg19) VCF-style: chr6-65707577-G-A.
Other names: c.2157C>T, p.Cys719= (NM_001292009.2).
Identifiers: ClinVar variation 357731 (VCV000357731.19), dbSNP rs9453148, ClinGen allele CA3877312.